The following is an entry in ClinVar:

ClinVar aggregate classification (germline): Pathogenic (1 of 4 stars; one submission).

Conditions:
Neurofibromatosis, type 1 (NF1). Also called: NEUROFIBROMATOSIS, TYPE I, SOMATIC; Neurofibromatosis, type I; Peripheral type neurofibromatosis; VON RECKLINGHAUSEN DISEASE. Identifiers: Orphanet 636, MedGen C0027831, MONDO:0018975, OMIM 162200. Disease mechanism: loss of function.

Submission:

Labcorp Genetics (formerly Invitae), Labcorp
Classification: Pathogenic for Neurofibromatosis, type 1. Last evaluated: 2022-07-19. Review status: criteria provided, single submitter. Criteria: Invitae Variant Classification Sherloc (09022015). Collection method: clinical testing. Allele origin: germline.
Comment: This sequence change creates a premature translational stop signal (p.Gly2358*) in the NF1 gene. It is expected to result in an absent or disrupted protein product. Loss-of-function variants in NF1 are known to be pathogenic (PMID: 10712197, 23913538). This variant is not present in population databases (gnomAD no frequency). This variant has not been reported in the literature in individuals affected with NF1-related conditions. For these reasons, this variant has been classified as Pathogenic.

Literature cited by the submitters: PubMed 10712197; PubMed 23913538.

NM_001042492.3(NF1):c.7135G>T (p.Gly2379Ter)

Gene: NF1 (neurofibromin 1; plus strand). Cytogenetic location: 17q11.2.
Variant type: single nucleotide variant.
Coding change: c.7135G>T on transcript NM_001042492.3 (MANE Select); coding-DNA position 7135, G replaced by T.
Protein change: p.Gly2379Ter; replaces glycine 2379 with a stop codon.
Molecular consequence: nonsense.
Genome position (GRCh38, 1-based): chr17:31,343,081, G>T. VCF-style: chr17-31343081-G-T. GRCh37 (hg19) VCF-style: chr17-29670099-G-T.
Other names: c.7072G>T, p.Gly2358Ter (NM_000267.4); short protein forms G2358*, G2379*.
Identifiers: ClinVar variation 2018060 (VCV002018060.4), dbSNP rs775476318, ClinGen allele CA399015668.